The following is an entry in ClinVar:

ClinVar aggregate classification (germline): Uncertain significance (1 of 4 stars; one submission).

Allele frequency attached by ClinVar (database versions not stated): ExAC 0.00001.
gnomAD v4.1: 2 of 1,613,224 alleles (0.00012%); highest among the groups gnomAD compares: Admixed American, 0.0017%; no homozygotes.

Submission:

Labcorp Genetics (formerly Invitae), Labcorp
Classification: Uncertain significance. Last evaluated: 2022-08-22. Review status: criteria provided, single submitter. Criteria: Invitae Variant Classification Sherloc (09022015). Collection method: clinical testing. Allele origin: germline.
Comment: In summary, the available evidence is currently insufficient to determine the role of this variant in disease. Therefore, it has been classified as a Variant of Uncertain Significance. Algorithms developed to predict the effect of missense changes on protein structure and function output the following: SIFT: "Tolerated"; PolyPhen-2: "Benign"; Align-GVGD: "Class C0". The aspartic acid amino acid residue is found in multiple mammalian species, which suggests that this missense change does not adversely affect protein function. This variant has not been reported in the literature in individuals affected with KIF11-related conditions. This variant is present in population databases (rs767335687, gnomAD 0.003%). This sequence change replaces asparagine, which is neutral and polar, with aspartic acid, which is acidic and polar, at codon 878 of the KIF11 protein (p.Asn878Asp).

NM_004523.4(KIF11):c.2632A>G (p.Asn878Asp)

Gene: KIF11 (kinesin family member 11; plus strand). Cytogenetic location: 10q23.33.
Variant type: single nucleotide variant.
Coding change: c.2632A>G on transcript NM_004523.4 (MANE Select); coding-DNA position 2632, A replaced by G.
Protein change: p.Asn878Asp; replaces asparagine 878 with aspartic acid.
Molecular consequence: missense variant.
Genome position (GRCh38, 1-based): chr10:92,648,296, A>G. VCF-style: chr10-92648296-A-G. GRCh37 (hg19) VCF-style: chr10-94408053-A-G.
Other names: short protein forms N878D.
Identifiers: ClinVar variation 2015264 (VCV002015264.4), dbSNP rs767335687, ClinGen allele CA5604432.
Genomic context (GRCh38, chr10:92,648,296, plus strand): 5'-TCAAGTTCAGACATCACTGAGAAATCAGATGGACGTAAGGCAGCTCATGAGAAACAGCAT[A>G]ACATTTTTCTTGATCAGATGACTATTGATGAAGATAAATTGATAGCACAAAATCTAGAAC-3'
Protein context (NP_004514.2, residues 868-888): GRKAAHEKQH[Asn878Asp]IFLDQMTIDE